The following is an entry in ClinVar:

ClinVar aggregate classification (germline): Uncertain significance (1 of 4 stars; one submission).

Conditions:
Inborn genetic diseases. Identifiers: MedGen C0950123, MeSH D030342.

gnomAD v4.1: 1 of 1,614,022 alleles (0.000062%); highest among the groups gnomAD compares: South Asian, 0.0011%; no homozygotes.

Submission:

Ambry Genetics
Classification: Uncertain significance for Inborn genetic diseases. Last evaluated: 2024-10-13. Review status: criteria provided, single submitter. Criteria: Ambry Variant Classification Scheme 2023. Collection method: clinical testing. Allele origin: germline.
Comment: The p.G305A variant (also known as c.914G>C), located in coding exon 8 of the EPAS1 gene, results from a G to C substitution at nucleotide position 914. The glycine at codon 305 is replaced by alanine, an amino acid with similar properties. This amino acid position is conserved. In addition, this alteration is predicted to be tolerated by in silico analysis. Based on the available evidence, the clinical significance of this variant remains unclear.

NM_001430.5(EPAS1):c.914G>C (p.Gly305Ala)

Gene: EPAS1 (endothelial PAS domain protein 1; plus strand). Cytogenetic location: 2p21.
Variant type: single nucleotide variant.
Coding change: c.914G>C on transcript NM_001430.5 (MANE Select); coding-DNA position 914, G replaced by C.
Protein change: p.Gly305Ala; replaces glycine 305 with alanine.
Molecular consequence: missense variant.
Genome position (GRCh38, 1-based): chr2:46,375,717, G>C. VCF-style: chr2-46375717-G-C. GRCh37 (hg19) VCF-style: chr2-46602856-G-C.
Other names: short protein forms G305A.
Identifiers: ClinVar variation 3509000 (VCV003509000.1).